The following is an entry in ClinVar:

NM_003119.4(SPG7):c.376G>C (p.Glu126Gln)

Gene: SPG7 (SPG7 matrix AAA peptidase subunit, paraplegin; plus strand). Cytogenetic location: 16q24.3.
Variant type: single nucleotide variant.
Coding change: c.376G>C on transcript NM_003119.4 (MANE Select); coding-DNA position 376, G replaced by C.
Protein change: p.Glu126Gln; replaces glutamic acid 126 with glutamine.
Molecular consequence: missense variant.
Genome position (GRCh38, 1-based): chr16:89,513,037, G>C. VCF-style: chr16-89513037-G-C. GRCh37 (hg19) VCF-style: chr16-89579445-G-C.
Other names: c.376G>C, p.Glu126Gln (NM_001363850.1, NM_199367.3); short protein forms E126Q.
Identifiers: ClinVar variation 424654 (VCV000424654.6), dbSNP rs912983346, ClinGen allele CA286523796.

ClinVar aggregate classification (germline): Pathogenic/Likely pathogenic. Review status: criteria provided, multiple submitters, no conflicts (2 of 4 stars). 5 submissions from 5 submitters: Pathogenic (4); Likely pathogenic (1). Last evaluated 2025-10-29.

Conditions:
Hereditary spastic paraplegia 7 (SPG7). Also called: Spastic paraplegia 7; Hereditary spastic paraplegia Paraplegin type; SPG7-related neurologic disorder; Autosomal recessive spastic paraplegia type 7; SPASTIC PARAPLEGIA 7, AUTOSOMAL RECESSIVE, WITH OR WITHOUT CEREBELLAR ATAXIA. Identifiers: Orphanet 99013, MedGen C1846564, MONDO:0011803, OMIM 607259.
Hereditary spastic paraplegia. Also called: Familial spastic paraparesis. Identifiers: Orphanet 685, MedGen C0037773, MONDO:0019064. Disease mechanism: loss of function.

Allele frequency attached by ClinVar (database versions not stated): gnomAD exomes below 0.00001; TOPMed below 0.00001; gnomAD 0.00001.
gnomAD v4.1: 3 of 1,604,446 alleles (0.00019%); highest among the groups gnomAD compares: Non-Finnish European, 0.00017%; no homozygotes.

Submissions (5):

Dasa
Classification: Pathogenic. Last evaluated: 2025-10-29. Review status: criteria provided, single submitter. Criteria: DASA Assertion Criteria. Collection method: clinical testing. Allele origin: germline.
Comment: NM_003119.4(SPG7):c.376G>C (p.Glu126Gln) is a missense variant that results in the substitution of glutamic acid with glutamine. Segregation evidence has been reported in affected families. This variant has been observed in affected individuals with related phenotype in a genotype context consistent with recessive disease (PMID: 28832565; PMID: 22571692). This variant has been recurrently observed in individuals with related phenotype (PMID: 28832565; PMID: 22571692). Multiple computational predictions support a deleterious effect on the gene or gene product. The variant is present at low frequency in population datasets. Based on the available data, this variant is classified as pathogenic.

Labcorp Genetics (formerly Invitae), Labcorp
Classification: Pathogenic for Hereditary spastic paraplegia 7. Last evaluated: 2025-09-02. Review status: criteria provided, single submitter. Criteria: Invitae Variant Classification Sherloc (09022015). Collection method: clinical testing. Allele origin: germline.
Comment: This sequence change replaces glutamic acid, which is acidic and polar, with glutamine, which is neutral and polar, at codon 126 of the SPG7 protein (p.Glu126Gln). This variant also falls at the last nucleotide of exon 3, which is part of the consensus splice site for this exon. This variant is present in population databases (no rsID available, gnomAD 0.001%). This missense change has been observed in individuals with hereditary spastic paraplegia (PMID: 22571692, 28832565). It has also been observed to segregate with disease in related individuals. ClinVar contains an entry for this variant (Variation ID: 424654). An algorithm developed to predict the effect of missense changes on protein structure and function (PolyPhen-2) suggests that this variant is likely to be tolerated. Variants that disrupt the consensus splice site are a relatively common cause of aberrant splicing (PMID: 17576681, 9536098). Algorithms developed to predict the effect of sequence changes on RNA splicing suggest that this variant may disrupt the consensus splice site. For these reasons, this variant has been classified as Pathogenic.

Women's Health and Genetics/Laboratory Corporation of America, LabCorp
Classification: Pathogenic for Hereditary spastic paraplegia 7. Last evaluated: 2025-06-11. Review status: criteria provided, single submitter. Criteria: LabCorp Variant Classification Summary - May 2015. Collection method: clinical testing. Allele origin: germline.
Comment: Variant summary: SPG7 c.376G>C (p.Glu126Gln) results in a conservative amino acid change in the encoded protein sequence. Algorithms developed to predict the effect of missense changes on protein structure and function are either unavailable or do not agree on the potential impact of this missense change. Several computational tools predict a significant impact on normal splicing: Four predict the variant abolishes a 5' splicing donor site. At least one publication reports experimental evidence that this variant indeed affects mRNA splicing, resulting in a 23bp insertion and a premature stop codon (Sanchez-Ferrero_2013). The variant allele was found at a frequency of 4.4e-06 in 229880 control chromosomes. c.376G>C has been observed in individual(s) affected with Hereditary Spastic Paraplegia 7 (e.g. Sanchez-Ferrero_2013, Morais_2017). These data indicate that the variant is likely to be associated with disease. The following publications have been ascertained in the context of this evaluation (PMID: 28832565, 22571692). ClinVar contains an entry for this variant (Variation ID: 424654). Based on the evidence outlined above, the variant was classified as pathogenic.

Unit for Genetic & Epidemiological Research on Neurological Disorders, Instituto de Investigação e Inovação em Saúde
Classification: Pathogenic for Hereditary spastic paraplegia. Last evaluated: 2017-03-07. Review status: criteria provided, single submitter. Criteria: Morais et al. (Eur J Hum Genet. 2017). Collection method: research. Allele origin: inherited. Affected: yes.

Athena Diagnostics
Classification: Likely pathogenic. Last evaluated: 2016-12-08. Review status: criteria provided, single submitter. Criteria: Athena Diagnostics Criteria. Collection method: clinical testing. Allele origin: germline.

Literature cited by the submitters: PubMed 28832565 (cited by 3 submitters); PubMed 22571692 (cited by 4 submitters); PubMed 17576681 (cited by Labcorp Genetics (formerly Invitae), Labcorp); PubMed 9536098 (cited by Labcorp Genetics (formerly Invitae), Labcorp).